The following is an entry in ClinVar:

NM_194248.3(OTOF):c.4158_4159del (p.Gln1387fs)

Gene: OTOF (otoferlin; minus strand). Cytogenetic location: 2p23.3.
Variant type: Deletion.
Coding change: c.4158_4159del on transcript NM_194248.3 (MANE Select); coding-DNA positions 4158 to 4159, 2 bases deleted (TC; older notation c.4158_4159delTC).
Protein change: p.Gln1387fs; shifts the reading frame from glutamine 1387.
Molecular consequence: frameshift variant.
Genome position (GRCh38, 1-based): chr2:26,467,433-26,467,434, GA deleted on the plus strand (TC on the coding strand, the reverse complement: OTOF is on the minus strand); deleting any 2 consecutive bases within chr2:26,467,433-26,467,435 gives the same sequence; the c. name uses the placement nearest the transcript's 3' end. VCF-style (leftmost placement, unchanged base first): chr2-26467432-TGA-T. GRCh37 (hg19) VCF-style: chr2-26690300-TGA-T.
Other names: c.4158_4159del, p.Gln1387fs (NM_001287489.2); c.1857_1858del, p.Gln620fs (NM_004802.4, NM_194323.3); c.2088_2089del, p.Gln697fs (NM_194322.3); short protein forms Q1387fs, Q620fs, Q697fs.
Identifiers: ClinVar variation 4531254 (VCV004531254.1).

ClinVar aggregate classification (germline): Pathogenic (1 of 4 stars; one submission).

Conditions:
Autosomal recessive nonsyndromic hearing loss 9. Also called: NEUROSENSORY NONSYNDROMIC RECESSIVE DEAFNESS 9; OTOF-Related Hearing Loss; Deafness, autosomal recessive 9; AUDITORY NEUROPATHY, AUTOSOMAL RECESSIVE, 1, TEMPERATURE-SENSITIVE. Identifiers: Orphanet 90636, MedGen C1832828, MONDO:0010986, OMIM 601071.

Submission:

Juno Genomics, Hangzhou Juno Genomics, Inc
Classification: Pathogenic for Autosomal recessive nonsyndromic hearing loss 9. Review status: criteria provided, single submitter. Criteria: ACMG Guidelines, 2015. Collection method: clinical testing. Allele origin: germline. Affected: yes.
Comment: Absent from controls (or at extremely low frequency if recessive) in Genome Aggregation Database, Exome Sequencing Project, 1000 Genomes Project, or Exome Aggregation Consortium.;Null variant in a gene where loss of function (LOF) is a known mechanism of disease.;For recessive disorders, detected in trans with a pathogenic variant.